The following is an entry in ClinVar:

ClinVar aggregate classification (germline): Uncertain significance (1 of 4 stars; one submission).

Conditions:
Familial cancer of breast. Also called: BREAST CANCER, FAMILIAL; Hereditary breast cancer; hereditary breast carcinoma. Identifiers: Orphanet 227535, MedGen C0346153, MONDO:0016419, OMIM 114480. Disease mechanism: loss of function.

Submission:

Labcorp Genetics (formerly Invitae), Labcorp
Classification: Uncertain significance for Familial cancer of breast. Last evaluated: 2022-01-31. Review status: criteria provided, single submitter. Criteria: Invitae Variant Classification Sherloc (09022015). Collection method: clinical testing. Allele origin: germline.
Comment: In summary, the available evidence is currently insufficient to determine the role of this variant in disease. Therefore, it has been classified as a Variant of Uncertain Significance. Algorithms developed to predict the effect of missense changes on protein structure and function (SIFT, PolyPhen-2, Align-GVGD) all suggest that this variant is likely to be disruptive. This variant has not been reported in the literature in individuals affected with BARD1-related conditions. This variant is not present in population databases (gnomAD no frequency). This sequence change replaces serine, which is neutral and polar, with glycine, which is neutral and non-polar, at codon 148 of the BARD1 protein (p.Ser148Gly).

NM_000465.4(BARD1):c.442A>G (p.Ser148Gly)

Gene: BARD1 (BRCA1 associated RING domain 1; minus strand). Cytogenetic location: 2q35.
Variant type: single nucleotide variant.
Coding change: c.442A>G on transcript NM_000465.4 (MANE Select); coding-DNA position 442, A replaced by G.
Protein change: p.Ser148Gly; replaces serine 148 with glycine.
Molecular consequence: missense variant. On other transcripts: non-coding transcript variant (2), intron variant (3).
Genome position (GRCh38, 1-based): chr2:214,781,432, T>C on the plus strand (A>G on the coding strand, the complement: BARD1 is on the minus strand). VCF-style: chr2-214781432-T-C. GRCh37 (hg19) VCF-style: chr2-215646156-T-C.
Other names: c.385A>G, p.Ser129Gly (NM_001282543.2); c.158+27980A>G (NM_001282548.2); c.215+15629A>G (NM_001282545.2); c.364+10865A>G (NM_001282549.2); short protein forms S148G, S129G.
Identifiers: ClinVar variation 2086661 (VCV002086661.4), dbSNP rs2469513445, ClinGen allele CA350457739.